The following is an entry in ClinVar:

ClinVar aggregate classification (germline): Benign. Review status: criteria provided, multiple submitters, no conflicts (2 of 4 stars). 7 submissions from 7 submitters: Benign (7). Last evaluated 2026-10-27.

Conditions:
Cystic fibrosis (CF). Also called: MUCOVISCIDOSIS. Identifiers: Orphanet 586, MedGen C0010674, MONDO:0009061, OMIM 219700. Disease mechanism: loss of function.
Bronchiectasis with or without elevated sweat chloride 1 (BESC1). Also called: Cystic Fibrosis-Like Syndrome. Identifiers: Orphanet 60033, MedGen C2749757, MONDO:0008887, OMIM 211400.
Congenital bilateral aplasia of vas deferens from CFTR mutation (CBAVD). Identifiers: Orphanet 48, MedGen C0403814, MONDO:0010178, OMIM 277180. Disease mechanism: loss of function.
Hereditary pancreatitis (PCTT). Also called: Hereditary chronic pancreatitis; PRSS1-Related Hereditary Pancreatitis. Identifiers: Orphanet 676, MedGen C0238339, MONDO:0008185, OMIM 167800.

Submissions (7):

Department of Human Genetics, Hannover Medical School
Classification: Benign for Cystic fibrosis. Last evaluated: 2026-10-27. Review status: criteria provided, single submitter. Criteria: ACMG Guidelines, 2015. Collection method: clinical testing. Allele origin: germline. Inheritance: Autosomal recessive inheritance. Affected: yes.

ARUP Laboratories, Molecular Genetics and Genomics, ARUP Laboratories
Classification: Benign. Last evaluated: 2025-07-30. Review status: criteria provided, single submitter. Criteria: ARUP Molecular Germline Variant Investigation Process 2024. Collection method: clinical testing. Allele origin: germline.

Fulgent Genetics
Classification: Benign for Hereditary pancreatitis; Bronchiectasis with or without elevated sweat chloride 1; Cystic fibrosis; Congenital bilateral aplasia of vas deferens from CFTR mutation. Last evaluated: 2021-12-26. Review status: criteria provided, single submitter. Criteria: ACMG Guidelines, 2015. Collection method: clinical testing. Allele origin: unknown.

Labcorp Genetics (formerly Invitae), Labcorp
Classification: Benign for Cystic fibrosis. Last evaluated: 2021-12-17. Review status: criteria provided, single submitter. Criteria: Invitae Variant Classification Sherloc (09022015). Collection method: clinical testing. Allele origin: germline.

Laboratory for Molecular Medicine, Mass General Brigham Personalized Medicine
Classification: Benign. Last evaluated: 2018-05-25. Review status: criteria provided, single submitter. Criteria: LMM Criteria. Collection method: clinical testing. Allele origin: germline. Observed: 20 variant alleles.
Comment: The c.1210-34TG[12]T[7] allele in intron 9 of the CFTR gene is classified as be nign because it has been identified in 43% (6544/15040) of East Asian chromosome s in the Genome Aggregation Database (gnomAD; dbSNP rs3832534). 930 homozygotes have also been identfied in the gnomAD databas e. ACMG/AMP Criteria applied: BA1

GeneDx
Classification: Benign. Last evaluated: 2018-03-16. Review status: criteria provided, single submitter. Criteria: GeneDx Variant Classification (06012015). Collection method: clinical testing. Allele origin: germline. Affected: yes.
Comment: This variant is considered likely benign or benign based on one or more of the following criteria: it is a conservative change, it occurs at a poorly conserved position in the protein, it is predicted to be benign by multiple in silico algorithms, and/or has population frequency not consistent with disease.

CFTR-France
Classification: Benign for cystic fibrosis. Last evaluated: 2018-01-29. Review status: criteria provided, single submitter. Criteria: Claustres M et al. (Hum Mutat 2017). Collection method: curation. Allele origin: germline. Affected: yes and no.
Comment: the variant does not result in CFTR-RD neither

Literature cited by the submitters: PubMed 14685937 (cited by Laboratory for Molecular Medicine, Mass General Brigham Personalized Medicine); PubMed 17314234 (cited by Laboratory for Molecular Medicine, Mass General Brigham Personalized Medicine); PubMed 9435322 (cited by Laboratory for Molecular Medicine, Mass General Brigham Personalized Medicine); PubMed 23092102 (cited by Laboratory for Molecular Medicine, Mass General Brigham Personalized Medicine); PubMed 22427236 (cited by Laboratory for Molecular Medicine, Mass General Brigham Personalized Medicine); PubMed 28776713 (cited by Laboratory for Molecular Medicine, Mass General Brigham Personalized Medicine); PubMed 28456595 (cited by Laboratory for Molecular Medicine, Mass General Brigham Personalized Medicine).

NM_000492.4(CFTR):c.1210-34TG[12]

Genes: CFTR (CF transmembrane conductance regulator; plus strand), CFTR-AS1 (CFTR antisense RNA 1; minus strand). Cytogenetic location: 7q31.2.
Variant type: Microsatellite.
Coding change: c.1210-34TG[12] on transcript NM_000492.4 (MANE Select); 12 copies in a row of the 2-base unit TG starting at c.1210-34.
Molecular consequence: intron variant.
Genome position: GRCh38 VCF-style: chr7-117548606-A-ATG. GRCh37 (hg19) VCF-style: chr7-117188660-A-ATG.
Other names: c.1210-13_1210-12dup (NM_000492.4); c.1210-33_1210-32insTG (NM_000492.3).
Identifiers: ClinVar variation 229652 (VCV000229652.27), dbSNP rs3832534, ClinGen allele CA175538.